The following is an entry in ClinVar:

ClinVar aggregate classification (germline): Benign/Likely benign. Review status: criteria provided, multiple submitters, no conflicts (2 of 4 stars). 3 submissions from 3 submitters: Benign (1); Likely benign (2). Last evaluated 2026-01-26.

Conditions:
Glycogen storage disease XV (GSD15). Also called: GLYCOGENIN DEFICIENCY; GSD XV. Identifiers: Orphanet 263297, MedGen C3150754, MONDO:0013291, OMIM 613507.
Polyglucosan body myopathy type 2. Identifiers: Orphanet 456369, MedGen C4015452, MONDO:0014526, OMIM 616199.

Allele frequency attached by ClinVar (database versions not stated): 1000 Genomes Project 0.00280; ESP Exome Variant Server 0.00300; gnomAD 0.00338 and 0.00366; 1000 Genomes Project 30x 0.00344; TOPMed 0.00394.
gnomAD v4.1: 998 of 1,613,230 alleles (0.062%); highest among the groups gnomAD compares: African/African-American, 1.2%; 5 homozygotes.

Submissions (3):

Labcorp Genetics (formerly Invitae), Labcorp
Classification: Benign for Polyglucosan body myopathy type 2; Glycogen storage disease XV. Last evaluated: 2026-01-26. Review status: criteria provided, single submitter. Criteria: Invitae Variant Classification Sherloc (09022015). Collection method: clinical testing. Allele origin: germline.

Blueprint Genetics
Classification: Likely benign. Last evaluated: 2024-09-16. Review status: criteria provided, single submitter. Criteria: ACMG Guidelines, 2015. Collection method: clinical testing. Allele origin: germline.

GeneDx
Classification: Likely benign. Last evaluated: 2017-05-22. Review status: criteria provided, single submitter. Criteria: GeneDx Variant Classification (06012015). Collection method: clinical testing. Allele origin: germline. Affected: yes.
Comment: This variant is considered likely benign or benign based on one or more of the following criteria: it is a conservative change, it occurs at a poorly conserved position in the protein, it is predicted to be benign by multiple in silico algorithms, and/or has population frequency not consistent with disease.

NM_004130.4(GYG1):c.608+14G>C

Gene: GYG1 (glycogenin 1; plus strand). Cytogenetic location: 3q24.
Variant type: single nucleotide variant.
Coding change: c.608+14G>C on transcript NM_004130.4 (MANE Select); 14 bases into the intron after coding-DNA position 608, G replaced by C.
Molecular consequence: intron variant.
Genome position (GRCh38, 1-based): chr3:149,009,416, G>C. VCF-style: chr3-149009416-G-C. GRCh37 (hg19) VCF-style: chr3-148727203-G-C.
Other names: c.608+14G>C (NM_001184720.2, NM_001184721.2).
Identifiers: ClinVar variation 380811 (VCV000380811.10), dbSNP rs200902926, ClinGen allele CA2658604.